The following is an entry in ClinVar:

NM_201596.3(CACNB2):c.121-219A>C

Gene: CACNB2 (calcium voltage-gated channel auxiliary subunit beta 2; plus strand). Cytogenetic location: 10p12.33.
Variant type: single nucleotide variant.
Coding change: c.121-219A>C on transcript NM_201596.3 (MANE Select); 219 bases into the intron before coding-DNA position 121, A replaced by C.
Molecular consequence: intron variant.
Genome position (GRCh38, 1-based): chr10:18,150,664, A>C. VCF-style: chr10-18150664-A-C. GRCh37 (hg19) VCF-style: chr10-18439593-A-C.
Other names: c.37-219A>C (NM_201571.4, NM_001167945.2, NM_201572.4); c.121-219A>C (NM_201593.3, NM_201597.3).
Identifiers: ClinVar variation 676354 (VCV000676354.3), dbSNP rs191267350, ClinGen allele CA203330622.

ClinVar aggregate classification (germline): Likely benign (1 of 4 stars; one submission).

Allele frequency attached by ClinVar (database versions not stated): 1000 Genomes Project 30x 0.00609; 1000 Genomes Project 0.00539; gnomAD 0.00382 and 0.00373; TOPMed 0.00426.
gnomAD v4.1: 567 of 152,254 alleles (0.37%); highest among the groups gnomAD compares: African/African-American, 1.1%; 1 homozygote.

Submission:

GeneDx
Classification: Likely benign. Last evaluated: 2018-06-16. Review status: criteria provided, single submitter. Criteria: GeneDx Variant Classification (06012015). Collection method: clinical testing. Allele origin: germline. Affected: yes.
Comment: This variant is considered likely benign or benign based on one or more of the following criteria: it is a conservative change, it occurs at a poorly conserved position in the protein, it is predicted to be benign by multiple in silico algorithms, and/or has population frequency not consistent with disease.